The following is an entry in ClinVar:

ClinVar aggregate classification (germline): Uncertain significance (1 of 4 stars; one submission).

Conditions:
Charcot-Marie-Tooth Neuropathy X. Identifiers: MedGen CN118851.
Combined oxidative phosphorylation deficiency. Identifiers: MedGen C4540031, MONDO:0000732.

Submission:

Labcorp Genetics (formerly Invitae), Labcorp
Classification: Uncertain significance for Charcot-Marie-Tooth Neuropathy X; Combined oxidative phosphorylation deficiency. Last evaluated: 2019-09-12. Review status: criteria provided, single submitter. Criteria: Invitae Variant Classification Sherloc (09022015). Collection method: clinical testing. Allele origin: germline.
Comment: This sequence change affects codon 202 of the AIFM1 mRNA. It is a 'silent' change, meaning that it does not change the encoded amino acid sequence of the AIFM1 protein. This variant is not present in population databases (ExAC no frequency). This variant has not been reported in the literature in individuals with AIFM1-related conditions. Algorithms developed to predict the effect of sequence changes on RNA splicing suggest that this variant is not likely to affect RNA splicing, but this prediction has not been confirmed by published transcriptional studies. In summary, the available evidence is currently insufficient to determine the role of this variant in disease. Therefore, it has been classified as a Variant of Uncertain Significance.

NM_004208.4(AIFM1):c.606C>T (p.Ser202=)

Genes: AIFM1 (apoptosis inducing factor mitochondria associated 1; minus strand), RAB33A (RAB33A, member RAS oncogene family; plus strand). Cytogenetic location: Xq26.1.
Variant type: single nucleotide variant.
Coding change: c.606C>T on transcript NM_004208.4 (MANE Select); coding-DNA position 606, C replaced by T.
Protein change: p.Ser202=; no amino-acid change (serine 202 retained).
Molecular consequence: synonymous variant. On other transcripts: non-coding transcript variant (1).
Genome position (GRCh38, 1-based): chrX:130,145,569, G>A on the plus strand (C>T on the coding strand, the complement: AIFM1 is on the minus strand). VCF-style: chrX-130145569-G-A. GRCh37 (hg19) VCF-style: chrX-129279544-G-A.
Other names: c.606C>T, p.Ser202= (NM_001130847.4); c.594C>T, p.Ser198= (NM_145812.3).
Identifiers: ClinVar variation 935690 (VCV000935690.9), dbSNP rs2030721376, ClinGen allele CA518470259.